The following is an entry in ClinVar:

ClinVar aggregate classification (germline): Benign/Likely benign. Review status: criteria provided, multiple submitters, no conflicts (2 of 4 stars). 7 submissions from 7 submitters: Benign (2); Likely benign (4). 1 of the submissions does not count toward it. Last evaluated 2026-05-14.

Conditions:
Neurofibromatosis, type 1 (NF1). Also called: Peripheral type neurofibromatosis; VON RECKLINGHAUSEN DISEASE; Neurofibromatosis, type I; NEUROFIBROMATOSIS, TYPE I, SOMATIC. Identifiers: Orphanet 636, MedGen C0027831, MONDO:0018975, OMIM 162200. Disease mechanism: loss of function.
Neurofibromatosis-Noonan syndrome (NFNS). Also called: NEUROFIBROMATOSIS WITH NOONAN PHENOTYPE. Identifiers: Orphanet 638, MedGen C2931482, MONDO:0011035, OMIM 601321. Disease mechanism: loss of function.
Café-au-lait macules with pulmonary stenosis (WTSN). Also called: PULMONIC STENOSIS WITH CAFE-AU-LAIT SPOTS. Identifiers: MedGen C0553586, MONDO:0008672, OMIM 193520.
Neurofibromatosis, familial spinal (FSNF). Identifiers: Orphanet 636, MedGen C1834235, MONDO:0008078, OMIM 162210. Disease mechanism: loss of function.
Juvenile myelomonocytic leukemia (JMML). Also called: LEUKEMIA, JUVENILE MYELOMONOCYTIC, SOMATIC. Identifiers: Orphanet 86834, MedGen C0349639, MONDO:0011908, OMIM 607785, HP:0012209.
NF1-related disorder. Also called: NF1-related condition. Identifiers: MedGen CN379171.

Submissions (7):

Myriad Genetics, Inc.
Classification: Likely benign for Neurofibromatosis, type 1. Last evaluated: 2026-05-14. Review status: criteria provided, single submitter. Criteria: Myriad Autosomal Dominant, Autosomal Recessive and X-Linked Classification Criteria (2023). Collection method: clinical testing. Allele origin: unknown.
Comment: This variant is considered likely benign. This variant is intronic and is not expected to impact mRNA splicing.

Labcorp Genetics (formerly Invitae), Labcorp
Classification: Benign for Neurofibromatosis, type 1. Last evaluated: 2025-10-25. Review status: criteria provided, single submitter. Criteria: Invitae Variant Classification Sherloc (09022015). Collection method: clinical testing. Allele origin: germline.

Blueprint Genetics
Classification: Likely benign. Last evaluated: 2024-08-14. Review status: criteria provided, single submitter. Criteria: ACMG Guidelines, 2015. Collection method: clinical testing. Allele origin: germline.

Genome-Nilou Lab
Classification: Benign for Neurofibromatosis, type 1. Last evaluated: 2022-03-15. Review status: criteria provided, single submitter. Criteria: ACMG Guidelines, 2015. Collection method: clinical testing. Allele origin: germline. Affected: no.

Fulgent Genetics
Classification: Likely benign for Neurofibromatosis, type 1; Neurofibromatosis, familial spinal; Café-au-lait macules with pulmonary stenosis; Neurofibromatosis-Noonan syndrome; Juvenile myelomonocytic leukemia. Last evaluated: 2022-01-18. Review status: criteria provided, single submitter. Criteria: ACMG Guidelines, 2015. Collection method: clinical testing. Allele origin: unknown.

GeneDx
Classification: Likely benign. Last evaluated: 2020-02-13. Review status: criteria provided, single submitter. Criteria: GeneDx Variant Classification Process June 2021. Collection method: clinical testing. Allele origin: germline. Affected: yes.

PreventionGenetics, part of Exact Sciences
Classification: Likely benign for NF1-related condition. Last evaluated: 2020-09-28. Review status: no assertion criteria provided. Collection method: clinical testing. Allele origin: germline. Not counted in ClinVar's aggregate classification.
Comment: This variant is classified as likely benign based on ACMG/AMP sequence variant interpretation guidelines (Richards et al. 2015 PMID: 25741868, with internal and published modifications).

NM_001042492.3(NF1):c.7971-8dup

Gene: NF1 (neurofibromin 1; plus strand). Cytogenetic location: 17q11.2.
Variant type: Duplication.
Coding change: c.7971-8dup on transcript NM_001042492.3 (MANE Select); 8 bases into the intron before coding-DNA position 7971, one base duplicated (T; older notation c.7971-8dupT).
Molecular consequence: intron variant.
Genome position (GRCh38, 1-based): chr17:31,358,472, T duplicated; the last of 9 consecutive T bases (chr17:31,358,464-31,358,472); duplicating any one gives the same sequence. VCF-style (leftmost placement, unchanged base first): chr17-31358463-C-CT. GRCh37 (hg19) VCF-style: chr17-29685481-C-CT.
Other names: c.7971-8dupT (NM_001042492.2); c.7908-8dup (NM_000267.4); c.7971-8dup (NM_001042492.2).
Identifiers: ClinVar variation 1185713 (VCV001185713.15), dbSNP rs564545012, ClinGen allele CA8487710.